The following is an entry in ClinVar:

NM_004237.4(TRIP13):c.275C>A (p.Ala92Glu)

Gene: TRIP13 (thyroid hormone receptor interactor 13; plus strand). Cytogenetic location: 5p15.33.
Variant type: single nucleotide variant.
Coding change: c.275C>A on transcript NM_004237.4 (MANE Select); coding-DNA position 275, C replaced by A.
Protein change: p.Ala92Glu; replaces alanine 92 with glutamic acid.
Molecular consequence: missense variant.
Genome position (GRCh38, 1-based): chr5:896,681, C>A. VCF-style: chr5-896681-C-A. GRCh37 (hg19) VCF-style: chr5-896796-C-A.
Other names: c.275C>A, p.Ala92Glu (NM_001166260.2); short protein forms A92E.
Identifiers: ClinVar variation 2213522 (VCV002213522.4), dbSNP rs769362210, ClinGen allele CA3179811.

ClinVar aggregate classification (germline): Uncertain significance. Review status: criteria provided, multiple submitters, no conflicts (2 of 4 stars). 2 submissions from 2 submitters: Uncertain significance (2). Last evaluated 2024-07-24.

Allele frequency attached by ClinVar (database versions not stated): TOPMed 0.00002; ExAC 0.00003; gnomAD 0.00003.

Submissions (2):

Labcorp Genetics (formerly Invitae), Labcorp
Classification: Uncertain significance. Last evaluated: 2024-07-24. Review status: criteria provided, single submitter. Criteria: Invitae Variant Classification Sherloc (09022015). Collection method: clinical testing. Allele origin: germline.
Comment: This sequence change replaces alanine, which is neutral and non-polar, with glutamic acid, which is acidic and polar, at codon 92 of the TRIP13 protein (p.Ala92Glu). This variant is present in population databases (rs769362210, gnomAD 0.004%). This variant has not been reported in the literature in individuals affected with TRIP13-related conditions. ClinVar contains an entry for this variant (Variation ID: 2213522). An algorithm developed to predict the effect of missense changes on protein structure and function (PolyPhen-2) suggests that this variant is likely to be tolerated. Algorithms developed to predict the effect of sequence changes on RNA splicing suggest that this variant may create or strengthen a splice site. In summary, the available evidence is currently insufficient to determine the role of this variant in disease. Therefore, it has been classified as a Variant of Uncertain Significance.

Ambry Genetics
Classification: Uncertain significance. Last evaluated: 2022-12-05. Review status: criteria provided, single submitter. Criteria: Ambry Variant Classification Scheme 2023. Collection method: clinical testing. Allele origin: germline.